The following is an entry in ClinVar:

ClinVar aggregate classification (germline): Likely pathogenic (1 of 4 stars; one submission).

Conditions:
Propionic acidemia (PROP). Also called: GLYCINEMIA, KETOTIC; HYPERGLYCINEMIA WITH KETOACIDOSIS AND LEUKOPENIA; KETOTIC HYPERGLYCINEMIA. Identifiers: Orphanet 35, MedGen C0268579, MONDO:0011628, OMIM 606054, HP:0003571.

Submission:

Myriad Genetics, Inc.
Classification: Likely pathogenic for Propionic acidemia. Last evaluated: 2022-03-08. Review status: criteria provided, single submitter. Criteria: Myriad Women's Health Autosomal Recessive and X-Linked Classification Criteria (2021). Collection method: clinical testing. Allele origin: unknown.
Comment: NM_000532.4(PCCB):c.934A>T(K312*) is expected to be pathogenic in the context of PCCB-related propionic acidemia. This variant is predicted to lead to an abnormal or absent protein product due to the creation of a premature termination codon in PCCB, a gene where loss-of-function variants are known to be pathogenic. Please note: this variant was assessed in the context of healthy population screening.

NM_000532.5(PCCB):c.934A>T (p.Lys312Ter)

Gene: PCCB (propionyl-CoA carboxylase subunit beta; plus strand). Cytogenetic location: 3q22.3.
Variant type: single nucleotide variant.
Coding change: c.934A>T on transcript NM_000532.5 (MANE Select); coding-DNA position 934, A replaced by T.
Protein change: p.Lys312Ter; replaces lysine 312 with a stop codon.
Molecular consequence: nonsense.
Genome position (GRCh38, 1-based): chr3:136,301,079, A>T. VCF-style: chr3-136301079-A-T. GRCh37 (hg19) VCF-style: chr3-136019921-A-T.
Other names: c.994A>T, p.Lys332Ter (NM_001178014.2); short protein forms K312*, K332*.
Identifiers: ClinVar variation 1725123 (VCV001725123.2), dbSNP rs2529894121, ClinGen allele CA354645690.